The following is an entry in ClinVar:

ClinVar aggregate classification (germline): Uncertain significance (1 of 4 stars; one submission).

Conditions:
Hereditary cancer-predisposing syndrome. Also called: Hereditary Cancer Syndrome; Hereditary neoplastic syndrome; Neoplastic Syndromes, Hereditary; Tumor predisposition. Identifiers: Orphanet 140162, MedGen C0027672, MeSH D009386, MONDO:0015356.

Submission:

Ambry Genetics
Classification: Uncertain significance for Hereditary cancer-predisposing syndrome. Last evaluated: 2025-08-07. Review status: criteria provided, single submitter. Criteria: Ambry Variant Classification Scheme 2023. Collection method: clinical testing. Allele origin: germline.
Comment: The p.R10H variant (also known as c.29G>A), located in coding exon 1 of the FH gene, results from a G to A substitution at nucleotide position 29. The arginine at codon 10 is replaced by histidine, an amino acid with highly similar properties. This amino acid position is conserved. In addition, the in silico prediction for this alteration is inconclusive. Based on the available evidence, the clinical significance of this variant remains unclear.

NM_000143.4(FH):c.29G>A (p.Arg10His)

Gene: FH (fumarate hydratase; minus strand). Cytogenetic location: 1q43.
Variant type: single nucleotide variant.
Coding change: c.29G>A on transcript NM_000143.4 (MANE Select); coding-DNA position 29, G replaced by A.
Protein change: p.Arg10His; replaces arginine 10 with histidine.
Molecular consequence: missense variant.
Genome position (GRCh38, 1-based): chr1:241,519,694, C>T on the plus strand (G>A on the coding strand, the complement: FH is on the minus strand). VCF-style: chr1-241519694-C-T. GRCh37 (hg19) VCF-style: chr1-241682994-C-T.
Other names: short protein forms R10H.
Identifiers: ClinVar variation 4257350 (VCV004257350.1).